The following is an entry in ClinVar:

NM_024334.3(TMEM43):c.528G>C (p.Glu176Asp)

Gene: TMEM43 (transmembrane protein 43; plus strand). Cytogenetic location: 3p25.1.
Variant type: single nucleotide variant.
Coding change: c.528G>C on transcript NM_024334.3 (MANE Select); coding-DNA position 528, G replaced by C.
Protein change: p.Glu176Asp; replaces glutamic acid 176 with aspartic acid.
Molecular consequence: missense variant.
Genome position (GRCh38, 1-based): chr3:14,133,754, G>C. VCF-style: chr3-14133754-G-C. GRCh37 (hg19) VCF-style: chr3-14175254-G-C.
Other names: short protein forms E176D.
Identifiers: ClinVar variation 1172404 (VCV001172404.3), dbSNP rs2124989901, ClinGen allele CA351535297.

ClinVar aggregate classification (germline): Uncertain significance (1 of 4 stars; one submission).

Conditions:
Cardiomyopathy (CMYO). Also called: Cardiomyopathies. Identifiers: Orphanet 167848, MedGen C0878544, MONDO:0004994, HP:0001638. Inheritance: Various modes of inheritance.

Submission:

Color Diagnostics, LLC DBA Color Health
Classification: Uncertain significance for Cardiomyopathy. Last evaluated: 2024-03-06. Review status: criteria provided, single submitter. Criteria: ACMG Guidelines, 2015. Collection method: clinical testing. Allele origin: germline.
Comment: This missense variant replaces glutamic acid with aspartic acid at codon 176 of the TMEM43 protein. Computational prediction suggests that this variant may not impact protein structure and function (internally defined REVEL score threshold <= 0.5, PMID: 27666373). To our knowledge, functional studies have not been reported for this variant. This variant has not been reported in individuals affected with cardiovascular disorders in the literature. This variant has not been identified in the general population by the Genome Aggregation Database (gnomAD). The available evidence is insufficient to determine the role of this variant in disease conclusively. Therefore, this variant is classified as a Variant of Uncertain Significance.